The following is an entry in ClinVar:

NM_000059.4(BRCA2):c.2545del (p.Val849fs)

Gene: BRCA2 (BRCA2 DNA repair associated; plus strand). Cytogenetic location: 13q13.1.
Variant type: Deletion.
Coding change: c.2545del on transcript NM_000059.4 (MANE Select); coding-DNA position 2545, one base deleted (G; older notation c.2545delG).
Protein change: p.Val849fs; shifts the reading frame from valine 849.
Molecular consequence: frameshift variant.
Genome position (GRCh38, 1-based): chr13:32,336,900, G deleted; the last of 2 consecutive G bases (chr13:32,336,899-32,336,900); deleting either gives the same sequence. VCF-style (leftmost placement, unchanged base first): chr13-32336898-AG-A. GRCh37 (hg19) VCF-style: chr13-32911035-AG-A.
Other names: 2773delG; c.2545delG (NM_000059.3).
Identifiers: ClinVar variation 51304 (VCV000051304.3), dbSNP rs80359333, ClinGen allele CA015601.

ClinVar aggregate classification (germline): Pathogenic. Review status: reviewed by expert panel (3 of 4 stars). 3 submissions from 3 submitters: Pathogenic (1). 2 of the submissions do not count toward it. Last evaluated 2016-09-08.

Conditions:
Breast-ovarian cancer, familial, susceptibility to, 2 (BROVCA2). Also called: BRCA2 Hereditary Breast and Ovarian Cancer. Identifiers: Orphanet 145, MedGen C2675520, MONDO:0012933, OMIM 612555. Disease mechanism: loss of function.

Submissions (3):

Evidence-based Network for the Interpretation of Germline Mutant Alleles (ENIGMA)
Classification: Pathogenic for Breast-ovarian cancer, familial, susceptibility to, 2. Last evaluated: 2016-09-08. Review status: reviewed by expert panel. Criteria: ENIGMA BRCA1/2 Classification Criteria (2015). Collection method: curation. Allele origin: germline.
Comment: Variant allele predicted to encode a truncated non-functional protein.

Consortium of Investigators of Modifiers of BRCA1/2 (CIMBA), c/o University of Cambridge
Classification: Pathogenic for Breast-ovarian cancer, familial, susceptibility to, 2. Last evaluated: 2015-10-02. Review status: criteria provided, single submitter. Criteria: CIMBA Mutation Classification guidelines May 2016. Collection method: clinical testing. Allele origin: germline. Not counted in ClinVar's aggregate classification.

Breast Cancer Information Core (BIC) (BRCA2)
Classification: Pathogenic for Breast-ovarian cancer, familial 2. Last evaluated: 2003-12-23. Review status: no assertion criteria provided. Collection method: clinical testing. Allele origin: germline. Affected: yes. Observed: 1 variant allele. Not counted in ClinVar's aggregate classification.